The following is an entry in ClinVar:

NM_001267550.2(TTN):c.68074G>T (p.Val22692Leu)

Genes: TTN (titin; minus strand), TTN-AS1 (TTN antisense RNA 1; plus strand), LOC126806423 (CDK7 strongly-dependent group 2 enhancer GRCh37_chr2:179443309-179444508; plus strand). Cytogenetic location: 2q31.2.
Variant type: single nucleotide variant.
Coding change: c.68074G>T on transcript NM_001267550.2 (MANE Select); coding-DNA position 68074, G replaced by T.
Protein change: p.Val22692Leu; replaces valine 22692 with leucine.
Molecular consequence: missense variant.
Genome position (GRCh38, 1-based): chr2:178,578,956, C>A on the plus strand (G>T on the coding strand, the complement: TTN is on the minus strand). VCF-style: chr2-178578956-C-A. GRCh37 (hg19) VCF-style: chr2-179443683-C-A.
Other names: c.63151G>T, p.Val21051Leu (NM_001256850.1); c.40879G>T, p.Val13627Leu (NM_003319.4); c.60370G>T, p.Val20124Leu (NM_133378.4); c.41254G>T, p.Val13752Leu (NM_133432.3); c.41455G>T, p.Val13819Leu (NM_133437.4); short protein forms V13627L, V20124L, V22692L, V13819L, V21051L, V13752L.
Identifiers: ClinVar variation 1737669 (VCV001737669.3), dbSNP rs545399178, ClinGen allele CA1991188.
Genomic context (GRCh38, chr2:178,578,956, plus strand): 5'-TGCCCTCATGAAGTCTGGTTACTCTAAAGGTGGTTTTCTGGACAGCTGAGGCGCACGTCA[C>A]CCACTTGTTGTTCACAGAATCCCTCTTCTCTAGGATATAGTTGGTGATTTCAGAACCTCC-3'
Protein context (NP_001254479.2, residues 22682-22702): EKRDSVNNKW[Val22692Leu]TCASAVQKTT

ClinVar aggregate classification (germline): Uncertain significance. Review status: criteria provided, multiple submitters, no conflicts (2 of 4 stars). 2 submissions from 2 submitters: Uncertain significance (2). Last evaluated 2025-11-11.

Conditions:
TTN-related disorder. Also called: TTN-related disorders; TTN-related condition; TTN-related disease.
Cardiovascular phenotype. Identifiers: MedGen CN230736.

Submissions (2):

PreventionGenetics, part of Exact Sciences
Classification: Uncertain significance for TTN-related condition. Last evaluated: 2025-11-11. Review status: criteria provided, single submitter. Criteria: ACMG Guidelines, 2015. Collection method: clinical testing. Allele origin: germline.
Comment: The TTN c.68074G>T variant is predicted to result in the amino acid substitution p.Val22692Leu. To our knowledge, this variant has not been reported in the literature. This variant is reported in 0.0065% of alleles in individuals of African descent in gnomAD. At this time, the clinical significance of this variant is uncertain due to the absence of conclusive functional and genetic evidence.

Ambry Genetics
Classification: Uncertain significance for Cardiovascular phenotype. Last evaluated: 2019-07-10. Review status: criteria provided, single submitter. Criteria: Ambry Variant Classification Scheme 2023. Collection method: clinical testing. Allele origin: germline.
Comment: The p.V13627L variant (also known as c.40879G>T), located in coding exon 147 of the TTN gene, results from a G to T substitution at nucleotide position 40879. The valine at codon 13627 is replaced by leucine, an amino acid with highly similar properties. This amino acid position is well conserved in available vertebrate species. In addition, this alteration is predicted to be tolerated by in silico analysis. Since supporting evidence is limited at this time, the clinical significance of this alteration remains unclear.